The following is an entry in ClinVar:

NM_004177.5(STX3):c.539G>A (p.Gly180Glu)

Gene: STX3 (syntaxin 3; plus strand). Cytogenetic location: 11q12.1.
Variant type: single nucleotide variant.
Coding change: c.539G>A on transcript NM_004177.5 (MANE Select); coding-DNA position 539, G replaced by A.
Protein change: p.Gly180Glu; replaces glycine 180 with glutamic acid.
Molecular consequence: missense variant.
Genome position (GRCh38, 1-based): chr11:59,793,171, G>A. VCF-style: chr11-59793171-G-A. GRCh37 (hg19) VCF-style: chr11-59560644-G-A.
Other names: c.539G>A, p.Gly180Glu (NM_001178040.3); short protein forms G180E.
Identifiers: ClinVar variation 1444780 (VCV001444780.3), dbSNP rs779136245, ClinGen allele CA223234382.

ClinVar aggregate classification (germline): Uncertain significance (1 of 4 stars; one submission).

Allele frequency attached by ClinVar (database versions not stated): gnomAD 0.00001; gnomAD exomes 0.00001 and 0.00003; TOPMed 0.00001.
gnomAD v4.1: 39 of 1,612,980 alleles (0.0024%); highest among the groups gnomAD compares: Non-Finnish European, 0.0032%; no homozygotes.

Submission:

Labcorp Genetics (formerly Invitae), Labcorp
Classification: Uncertain significance. Last evaluated: 2022-07-11. Review status: criteria provided, single submitter. Criteria: Invitae Variant Classification Sherloc (09022015). Collection method: clinical testing. Allele origin: germline.
Comment: This sequence change replaces glycine, which is neutral and non-polar, with glutamic acid, which is acidic and polar, at codon 180 of the STX3 protein (p.Gly180Glu). This variant is present in population databases (rs779136245, gnomAD 0.003%). This variant has not been reported in the literature in individuals affected with STX3-related conditions. ClinVar contains an entry for this variant (Variation ID: 1444780). Algorithms developed to predict the effect of missense changes on protein structure and function are either unavailable or do not agree on the potential impact of this missense change (SIFT: "Deleterious"; PolyPhen-2: "Probably Damaging"; Align-GVGD: "Class C15"). Algorithms developed to predict the effect of sequence changes on RNA splicing suggest that this variant may create or strengthen a splice site. In summary, the available evidence is currently insufficient to determine the role of this variant in disease. Therefore, it has been classified as a Variant of Uncertain Significance.